The following is an entry in ClinVar:

ClinVar aggregate classification (germline): Uncertain significance (1 of 4 stars; one submission).

Submission:

Labcorp Genetics (formerly Invitae), Labcorp
Classification: Uncertain significance. Last evaluated: 2022-07-05. Review status: criteria provided, single submitter. Criteria: Invitae Variant Classification Sherloc (09022015). Collection method: clinical testing. Allele origin: germline.
Comment: This sequence change replaces arginine, which is basic and polar, with proline, which is neutral and non-polar, at codon 1610 of the PIK3C2A protein (p.Arg1610Pro). Algorithms developed to predict the effect of missense changes on protein structure and function are either unavailable or do not agree on the potential impact of this missense change (SIFT: "Not Available"; PolyPhen-2: "Probably Damaging"; Align-GVGD: "Not Available"). In summary, the available evidence is currently insufficient to determine the role of this variant in disease. Therefore, it has been classified as a Variant of Uncertain Significance. This variant has not been reported in the literature in individuals affected with PIK3C2A-related conditions. This variant is not present in population databases (gnomAD no frequency).

NM_002645.4(PIK3C2A):c.4829G>C (p.Arg1610Pro)

Gene: PIK3C2A (phosphatidylinositol-4-phosphate 3-kinase catalytic subunit type 2 alpha; minus strand). Cytogenetic location: 11p15.1.
Variant type: single nucleotide variant.
Coding change: c.4829G>C on transcript NM_002645.4 (MANE Select); coding-DNA position 4829, G replaced by C.
Protein change: p.Arg1610Pro; replaces arginine 1610 with proline.
Molecular consequence: missense variant.
Genome position (GRCh38, 1-based): chr11:17,091,383, C>G on the plus strand (G>C on the coding strand, the complement: PIK3C2A is on the minus strand). VCF-style: chr11-17091383-C-G. GRCh37 (hg19) VCF-style: chr11-17112930-C-G.
Other names: c.4829G>C, p.Arg1610Pro (NM_001321378.2); c.3689G>C, p.Arg1230Pro (NM_001321380.2); c.4661G>C, p.Arg1554Pro (NM_001386870.1); short protein forms R1230P, R1554P, R1610P.
Identifiers: ClinVar variation 2064381 (VCV002064381.4), dbSNP rs1848307153, ClinGen allele CA379756381.